The following is an entry in ClinVar:

ClinVar aggregate classification (germline): Uncertain significance (1 of 4 stars; one submission).

Conditions:
Immunodeficiency, common variable, 10. Also called: DEFICIT IN ANTERIOR PITUITARY FUNCTION AND VARIABLE IMMUNODEFICIENCY; IMMUNODEFICIENCY, COMMON VARIABLE, WITH CENTRAL ADRENAL INSUFFICIENCY. Identifiers: MedGen C3809991, MONDO:0014260, OMIM 615577.

Allele frequency attached by ClinVar (database versions not stated): gnomAD exomes below 0.00001; gnomAD 0.00001.

Submission:

Labcorp Genetics (formerly Invitae), Labcorp
Classification: Uncertain significance for Immunodeficiency, common variable, 10. Last evaluated: 2021-05-28. Review status: criteria provided, single submitter. Criteria: Invitae Variant Classification Sherloc (09022015). Collection method: clinical testing. Allele origin: germline.
Comment: In summary, the available evidence is currently insufficient to determine the role of this variant in disease. Therefore, it has been classified as a Variant of Uncertain Significance. Algorithms developed to predict the effect of missense changes on protein structure and function (SIFT, PolyPhen-2, Align-GVGD) all suggest that this variant is likely to be tolerated, but these predictions have not been confirmed by published functional studies and their clinical significance is uncertain. This variant has not been reported in the literature in individuals with NFKB2-related conditions. This variant is not present in population databases (ExAC no frequency). This sequence change replaces arginine with glutamine at codon 808 of the NFKB2 protein (p.Arg808Gln). The arginine residue is weakly conserved and there is a small physicochemical difference between arginine and glutamine.

NM_001322934.2(NFKB2):c.2423G>A (p.Arg808Gln)

Gene: NFKB2 (nuclear factor kappa B subunit 2; plus strand). Cytogenetic location: 10q24.32.
Variant type: single nucleotide variant.
Coding change: c.2423G>A on transcript NM_001322934.2 (MANE Select); coding-DNA position 2423, G replaced by A.
Protein change: p.Arg808Gln; replaces arginine 808 with glutamine.
Molecular consequence: missense variant.
Genome position (GRCh38, 1-based): chr10:102,401,874, G>A. VCF-style: chr10-102401874-G-A. GRCh37 (hg19) VCF-style: chr10-104161631-G-A.
Other names: c.2423G>A, p.Arg808Gln (NM_001077494.3, NM_001261403.3, NM_001288724.1 and 1 more transcripts); c.2297G>A, p.Arg766Gln (NM_001322935.1); short protein forms R766Q, R808Q.
Identifiers: ClinVar variation 959500 (VCV000959500.8), dbSNP rs1261067166, ClinGen allele CA377905793.
Genomic context (GRCh38, chr10:102,401,874, plus strand): 5'-AGGGCAGCTGGGCAGAGCTGGCAGAGCGTCTGGGGCTGCGCAGCCTGGTAGACACGTACC[G>A]ACAGACAACCTCACCCAGTGGCAGCCTCCTGCGCAGCTACGAGGTGGGTTGGCCTGTGCC-3'
Protein context (NP_001309863.1, residues 798-818): LGLRSLVDTY[Arg808Gln]QTTSPSGSLL